The following is an entry in ClinVar:

ClinVar aggregate classification (germline): Uncertain significance (1 of 4 stars; one submission).

Allele frequency attached by ClinVar (database versions not stated): TOPMed below 0.00001.
gnomAD v4.1: 4 of 1,613,002 alleles (0.00025%); highest among the groups gnomAD compares: Non-Finnish European, 0.00034%; no homozygotes.

Submission:

Labcorp Genetics (formerly Invitae), Labcorp
Classification: Uncertain significance. Last evaluated: 2022-04-01. Review status: criteria provided, single submitter. Criteria: Invitae Variant Classification Sherloc (09022015). Collection method: clinical testing. Allele origin: germline.
Comment: In summary, the available evidence is currently insufficient to determine the role of this variant in disease. Therefore, it has been classified as a Variant of Uncertain Significance. Algorithms developed to predict the effect of missense changes on protein structure and function (SIFT, PolyPhen-2, Align-GVGD) all suggest that this variant is likely to be tolerated. This variant has not been reported in the literature in individuals affected with ANGPTL3-related conditions. This variant is present in population databases (no rsID available, gnomAD 0.007%). This sequence change replaces alanine, which is neutral and non-polar, with glycine, which is neutral and non-polar, at codon 364 of the ANGPTL3 protein (p.Ala364Gly).

NM_014495.4(ANGPTL3):c.1091C>G (p.Ala364Gly)

Genes: ANGPTL3 (angiopoietin like 3; plus strand), DOCK7 (dedicator of cytokinesis 7; minus strand). Cytogenetic location: 1p31.3.
Variant type: single nucleotide variant.
Coding change: c.1091C>G on transcript NM_014495.4 (MANE Select); coding-DNA position 1091, C replaced by G.
Protein change: p.Ala364Gly; replaces alanine 364 with glycine.
Molecular consequence: missense variant. On other transcripts: intron variant (7).
Genome position (GRCh38, 1-based): chr1:62,604,128, C>G. VCF-style: chr1-62604128-C-G. GRCh37 (hg19) VCF-style: chr1-63069799-C-G.
Other names: c.1682+14578G>C (NM_001272001.2, NM_001272000.2, NM_033407.4 and 4 more transcripts); short protein forms A364G.
Identifiers: ClinVar variation 2120397 (VCV002120397.4), dbSNP rs753754473, ClinGen allele CA340605977.
Genomic context (GRCh38, chr1:62,604,128, plus strand): 5'-ATATTGAATATTCTTTTTACTTGGGAAATCACGAAACCAACTATACGCTACATCTAGTTG[C>G]GATTACTGGCAATGTCCCCAATGCAATCCCGGAAAACAAAGATTTGGTGTTTTCTACTTG-3'
Protein context (NP_055310.1, residues 354-374): HETNYTLHLV[Ala364Gly]ITGNVPNAIP